The following is an entry in ClinVar:

NM_000350.3(ABCA4):c.2461T>A (p.Trp821Arg)

Gene: ABCA4 (ATP binding cassette subfamily A member 4; minus strand). Cytogenetic location: 1p22.1.
Variant type: single nucleotide variant.
Coding change: c.2461T>A on transcript NM_000350.3 (MANE Select); coding-DNA position 2461, T replaced by A.
Protein change: p.Trp821Arg; replaces tryptophan 821 with arginine.
Molecular consequence: missense variant.
Genome position (GRCh38, 1-based): chr1:94,055,237, A>T on the plus strand (T>A on the coding strand, the complement: ABCA4 is on the minus strand). VCF-style: chr1-94055237-A-T. GRCh37 (hg19) VCF-style: chr1-94520793-A-T.
Other names: c.2239T>A, p.Trp747Arg (NM_001425324.1); short protein forms W821R, W747R.
Identifiers: ClinVar variation 99136 (VCV000099136.16), dbSNP rs61749433, ClinGen allele CA227001.

ClinVar aggregate classification (germline): Pathogenic. Review status: criteria provided, multiple submitters, no conflicts (2 of 4 stars). 7 submissions from 7 submitters: Pathogenic (6). 1 of the submissions does not count toward it. Last evaluated 2026-05-08.

Conditions:
ABCA4-related disorder. Also called: ABCA4-related condition; ABCA4-related disorders. Identifiers: MedGen CN239167.
Cone-rod dystrophy 3 (CORD3). Identifiers: Orphanet 1872, MedGen C1858806, MONDO:0011395, OMIM 604116.
Age related macular degeneration 2. Also called: MACULAR DEGENERATION, SENILE; MACULOPATHY, AGE-RELATED, 2; MACULOPATHY, AGE-RELATED. Identifiers: MedGen C3495438, MONDO:0007932, OMIM 153800.
Retinitis pigmentosa 19 (RP19). Also called: ABCA4-Related Retinitis Pigmentosa. Identifiers: Orphanet 791, MedGen C1866422, MONDO:0011137, OMIM 601718.
Severe early-childhood-onset retinal dystrophy (STGD1). Also called: MACULAR DYSTROPHY WITH FLECKS, TYPE 1; STGD; Stargardt disease 1; Stargardt macular dystrophy; Juvenile onset macular degeneration. Identifiers: Orphanet 364055, Orphanet 827, MedGen C1855465, MeSH D000080362, MONDO:0009549, OMIM 248200.
Retinitis pigmentosa (RP). Identifiers: Orphanet 791, MedGen C0035334, MeSH D012174, MONDO:0019200, OMIM 268000. Inheritance: Autosomal dominant, autosomal recessive and X linked inheritance.

Allele frequency attached by ClinVar (database versions not stated): gnomAD 0.00001; ExAC 0.00001; gnomAD exomes 0.00001; TOPMed 0.00001.
gnomAD v4.1: 13 of 1,614,066 alleles (0.00081%); highest among the groups gnomAD compares: African/African-American, 0.0013%; no homozygotes.

Submissions (7):

PreventionGenetics, part of Exact Sciences
Classification: Pathogenic for ABCA4-related condition. Last evaluated: 2026-05-08. Review status: criteria provided, single submitter. Criteria: ACMG Guidelines, 2015. Collection method: clinical testing. Allele origin: germline.
Comment: The ABCA4 c.2461T>A variant is predicted to result in the amino acid substitution p.Trp821Arg. This variant has been reported to be causative for Stargardt disease (STGD) and ABCA4-related retinopathy (Shroyer et al. 1999. PubMed ID: 10396622; Lewis et al. 1999. PubMed ID: 9973280; Shroyer et al. 2001. PubMed ID: 11726554; Webster et al. 2001. PubMed ID: 11328725; Bianco et al 2023. PubMed ID: 37498587). This variant is present in 0.0023% of alleles in individuals of European (Non-Finnish) descent in gnomAD. This variant has been classified as pathogenic by multiple independent submitters to the ClinVar database (Variation ID: 99136). Given the evidence, we interpret this variant as pathogenic.

Labcorp Genetics (formerly Invitae), Labcorp
Classification: Pathogenic. Last evaluated: 2025-09-03. Review status: criteria provided, single submitter. Criteria: Invitae Variant Classification Sherloc (09022015). Collection method: clinical testing. Allele origin: germline.
Comment: This sequence change replaces tryptophan, which is neutral and slightly polar, with arginine, which is basic and polar, at codon 821 of the ABCA4 protein (p.Trp821Arg). This variant is present in population databases (rs61749433, gnomAD 0.002%). This missense change has been observed in individual(s) with Stargardt disease or cone-rod dystrophy (PMID: 9973280, 22247458, 26593885; internal data). In at least one individual the data is consistent with being in trans (on the opposite chromosome) from a pathogenic variant. ClinVar contains an entry for this variant (Variation ID: 99136). Invitae Evidence Modeling of protein sequence and biophysical properties (such as structural, functional, and spatial information, amino acid conservation, physicochemical variation, residue mobility, and thermodynamic stability) indicates that this missense variant is expected to disrupt ABCA4 protein function with a positive predictive value of 95%. For these reasons, this variant has been classified as Pathogenic.

Blueprint Genetics
Classification: Pathogenic for ABCA4-related disorders. Last evaluated: 2024-07-29. Review status: criteria provided, single submitter. Criteria: ACMG Guidelines, 2015. Collection method: clinical testing. Allele origin: germline. Affected: yes. Observed: 5 variant alleles.

Fulgent Genetics
Classification: Pathogenic for Age related macular degeneration 2; Severe early-childhood-onset retinal dystrophy; Retinitis pigmentosa 19; Cone-rod dystrophy 3. Last evaluated: 2024-04-03. Review status: criteria provided, single submitter. Criteria: ACMG Guidelines, 2015. Collection method: clinical testing. Allele origin: germline.

Women's Health and Genetics/Laboratory Corporation of America, LabCorp
Classification: Pathogenic for Retinitis pigmentosa. Last evaluated: 2024-04-02. Review status: criteria provided, single submitter. Criteria: LabCorp Variant Classification Summary - May 2015. Collection method: clinical testing. Allele origin: germline.
Comment: Variant summary: ABCA4 c.2461T>A (p.Trp821Arg) results in a non-conservative amino acid change located in the ABC-2 type transporter, transmembrane domain (IPR013525) of the encoded protein sequence. Five of five in-silico tools predict a damaging effect of the variant on protein function. The variant allele was found at a frequency of 8e-06 in 251166 control chromosomes. c.2461T>A has been reported in the literature in multiple individuals affected with Stargardt disease (example, Cideciyan_2012, Duncker_2015, Fumagalli_2001, Verdina_2018, Zaneveld_2015). These data indicate that the variant is very likely to be associated with disease. To our knowledge, no experimental evidence demonstrating an impact on protein function has been reported. The following publications have been ascertained in the context of this evaluation (PMID: 22247458, 25283059, 11702214, 28365912, 25474345). ClinVar contains an entry for this variant (Variation ID: 99136). Based on the evidence outlined above, the variant was classified as pathogenic.

GeneDx
Classification: Pathogenic. Last evaluated: 2021-11-10. Review status: criteria provided, single submitter. Criteria: GeneDx Variant Classification Process June 2021. Collection method: clinical testing. Allele origin: germline. Affected: yes.
Comment: Not observed at significant frequency in large population cohorts (gnomAD); In silico analysis supports that this missense variant has a deleterious effect on protein structure/function; This variant is associated with the following publications: (PMID: 11702214, 9973280, 11328725, 18652558, 24677105, 11527935, 25301883, 19265867, 11726554, 28430335, 29925512, 33375396, 26593885, 28365912, 25283059, 25474345, 29178665, 20128570, 22247458)

Retina International
No classification provided. Review status: no classification provided. Collection method: not provided. Allele origin: not provided. Not counted in ClinVar's aggregate classification.

Literature cited by the submitters: PubMed 9973280 (cited by Labcorp Genetics (formerly Invitae), Labcorp); PubMed 22247458 (cited by Labcorp Genetics (formerly Invitae), Labcorp and Women's Health and Genetics/Laboratory Corporation of America, LabCorp); PubMed 26593885 (cited by Labcorp Genetics (formerly Invitae), Labcorp); PubMed 25474345 (cited by Women's Health and Genetics/Laboratory Corporation of America, LabCorp); PubMed 25283059 (cited by Women's Health and Genetics/Laboratory Corporation of America, LabCorp); PubMed 11702214 (cited by Women's Health and Genetics/Laboratory Corporation of America, LabCorp); PubMed 28365912 (cited by Women's Health and Genetics/Laboratory Corporation of America, LabCorp).